The following is an entry in ClinVar:

ClinVar aggregate classification (germline): Uncertain significance (1 of 4 stars; one submission).

Conditions:
X-linked agammaglobulinemia with growth hormone deficiency (IGHD3). Also called: FLEISHER SYNDROME; HYPOGAMMAGLOBULINEMIA AND ISOLATED GROWTH HORMONE DEFICIENCY, X-LINKED; IGHD III; Isolated growth hormone deficiency type 3; Growth hormone deficiency with hypogammaglobulinemia; ISOLATED GROWTH HORMONE DEFICIENCY, TYPE III, WITH AGAMMAGLOBULINEMIA. Identifiers: Orphanet 231692, Orphanet 631, MedGen C0472813, MONDO:0010615, OMIM 307200.

Allele frequency attached by ClinVar (database versions not stated): TOPMed below 0.00001.

Submission:

Labcorp Genetics (formerly Invitae), Labcorp
Classification: Uncertain significance for X-linked agammaglobulinemia with growth hormone deficiency. Last evaluated: 2021-09-07. Review status: criteria provided, single submitter. Criteria: Invitae Variant Classification Sherloc (09022015). Collection method: clinical testing. Allele origin: germline.
Comment: This sequence change replaces arginine with histidine at codon 490 of the BTK protein (p.Arg490His). The arginine residue is moderately conserved and there is a small physicochemical difference between arginine and histidine. This variant is not present in population databases (ExAC no frequency). This variant has not been reported in the literature in individuals affected with BTK-related conditions. Advanced modeling of protein sequence and biophysical properties (such as structural, functional, and spatial information, amino acid conservation, physicochemical variation, residue mobility, and thermodynamic stability) performed at Invitae indicates that this missense variant is not expected to disrupt BTK protein function. In summary, the available evidence is currently insufficient to determine the role of this variant in disease. Therefore, it has been classified as a Variant of Uncertain Significance.

NM_000061.3(BTK):c.1469G>A (p.Arg490His)

Gene: BTK (Bruton tyrosine kinase; minus strand). Cytogenetic location: Xq22.1.
Variant type: single nucleotide variant.
Coding change: c.1469G>A on transcript NM_000061.3 (MANE Select); coding-DNA position 1469, G replaced by A.
Protein change: p.Arg490His; replaces arginine 490 with histidine.
Molecular consequence: missense variant. On other transcripts: intron variant (1).
Genome position (GRCh38, 1-based): chrX:101,356,149, C>T on the plus strand (G>A on the coding strand, the complement: BTK is on the minus strand). VCF-style: chrX-101356149-C-T. GRCh37 (hg19) VCF-style: chrX-100611137-C-T.
Other names: c.1571G>A, p.Arg524His (NM_001287344.2); c.1039-1455G>A (NM_001287345.2); short protein forms R524H, R490H.
Identifiers: ClinVar variation 1519681 (VCV001519681.5), dbSNP rs1926473502, ClinGen allele CA413923956.